The following is an entry in ClinVar:

NM_018082.6(POLR3B):c.1016T>G (p.Val339Gly)

Gene: POLR3B (RNA polymerase III subunit B; plus strand). Cytogenetic location: 12q23.3.
Variant type: single nucleotide variant.
Coding change: c.1016T>G on transcript NM_018082.6 (MANE Select); coding-DNA position 1016, T replaced by G.
Protein change: p.Val339Gly; replaces valine 339 with glycine.
Molecular consequence: missense variant.
Genome position (GRCh38, 1-based): chr12:106,410,875, T>G. VCF-style: chr12-106410875-T-G. GRCh37 (hg19) VCF-style: chr12-106804653-T-G.
Other names: c.842T>G, p.Val281Gly (NM_001160708.2); short protein forms V281G, V339G.
Identifiers: ClinVar variation 4685041 (VCV004685041.1).
Genomic context (GRCh38, chr12:106,410,875, plus strand): 5'-CTGACTTACAGGTTAAGGAATTCAATTTCCGAGCCAAATGTATCTATACTGCAGTGATGG[T>G]GCGAAGAGTTATTCTGGCCCAAGGAGATAATAAAGTTGACGACAGAGATTATTATGGTAA-3'
Protein context (NP_060552.4, residues 329-349): RAKCIYTAVM[Val339Gly]RRVILAQGDN

ClinVar aggregate classification (germline): Uncertain significance (1 of 4 stars; one submission).

Submission:

GeneDx
Classification: Uncertain significance. Last evaluated: 2025-07-12. Review status: criteria provided, single submitter. Criteria: GeneDx Variant Classification Process June 2021. Collection method: clinical testing. Allele origin: germline. Affected: yes.
Comment: Not observed at significant frequency in large population cohorts (gnomAD); In silico analysis supports that this missense variant has a deleterious effect on protein structure/function; Has not been previously published as pathogenic or benign to our knowledge